The following is an entry in ClinVar:

NM_005751.5(AKAP9):c.2801T>G (p.Val934Gly)

Gene: AKAP9 (A-kinase anchoring protein 9; plus strand). Cytogenetic location: 7q21.2.
Variant type: single nucleotide variant.
Coding change: c.2801T>G on transcript NM_005751.5 (MANE Select); coding-DNA position 2801, T replaced by G.
Protein change: p.Val934Gly; replaces valine 934 with glycine.
Molecular consequence: missense variant.
Genome position (GRCh38, 1-based): chr7:92,002,718, T>G. VCF-style: chr7-92002718-T-G. GRCh37 (hg19) VCF-style: chr7-91632032-T-G.
Other names: c.2801T>G, p.Val934Gly (NM_147185.3); short protein forms V934G.
Identifiers: ClinVar variation 1522460 (VCV001522460.6), dbSNP rs750000254, ClinGen allele CA368124961.

ClinVar aggregate classification (germline): Uncertain significance (1 of 4 stars; one submission).

Conditions:
Long QT syndrome (LQTS). Identifiers: MedGen C0023976, MeSH D008133, MONDO:0002442. Disease mechanism: loss of function. Inheritance: Various modes of inheritance.

Submission:

Labcorp Genetics (formerly Invitae), Labcorp
Classification: Uncertain significance for Long QT syndrome. Last evaluated: 2021-08-02. Review status: criteria provided, single submitter. Criteria: Invitae Variant Classification Sherloc (09022015). Collection method: clinical testing. Allele origin: germline.
Comment: Algorithms developed to predict the effect of sequence changes on RNA splicing suggest that this variant may create or strengthen a splice site. Algorithms developed to predict the effect of missense changes on protein structure and function are either unavailable or do not agree on the potential impact of this missense change (SIFT: "Deleterious"; PolyPhen-2: "Probably Damaging"; Align-GVGD: "Class C0"). This variant has not been reported in the literature in individuals affected with AKAP9-related conditions. This variant is not present in population databases (ExAC no frequency). This sequence change replaces valine with glycine at codon 934 of the AKAP9 protein (p.Val934Gly). The valine residue is moderately conserved and there is a moderate physicochemical difference between valine and glycine. In summary, the available evidence is currently insufficient to determine the role of this variant in disease. Therefore, it has been classified as a Variant of Uncertain Significance.